The following is an entry in ClinVar:

ClinVar aggregate classification (germline): Uncertain significance (1 of 4 stars; one submission).

Submission:

Labcorp Genetics (formerly Invitae), Labcorp
Classification: Uncertain significance. Last evaluated: 2023-04-11. Review status: criteria provided, single submitter. Criteria: Invitae Variant Classification Sherloc (09022015). Collection method: clinical testing. Allele origin: germline.
Comment: This variant has not been reported in the literature in individuals affected with MYSM1-related conditions. In summary, the available evidence is currently insufficient to determine the role of this variant in disease. Therefore, it has been classified as a Variant of Uncertain Significance. An algorithm developed to predict the effect of missense changes on protein structure and function (PolyPhen-2) suggests that this variant is likely to be disruptive. This variant is not present in population databases (gnomAD no frequency). This sequence change replaces tyrosine, which is neutral and polar, with histidine, which is basic and polar, at codon 74 of the MYSM1 protein (p.Tyr74His).

NM_001085487.3(MYSM1):c.220T>C (p.Tyr74His)

Gene: MYSM1 (Myb like, SWIRM and MPN domains 1; minus strand). Cytogenetic location: 1p32.1.
Variant type: single nucleotide variant.
Coding change: c.220T>C on transcript NM_001085487.3 (MANE Select); coding-DNA position 220, T replaced by C.
Protein change: p.Tyr74His; replaces tyrosine 74 with histidine.
Molecular consequence: missense variant.
Genome position (GRCh38, 1-based): chr1:58,690,416, A>G on the plus strand (T>C on the coding strand, the complement: MYSM1 is on the minus strand). VCF-style: chr1-58690416-A-G. GRCh37 (hg19) VCF-style: chr1-59156088-A-G.
Other names: short protein forms Y74H.
Identifiers: ClinVar variation 2855170 (VCV002855170.3), dbSNP rs1569795584, ClinGen allele CA340532704.